The following is an entry in ClinVar:

NM_032578.4(MYPN):c.3833G>A (p.Arg1278Gln)

Gene: MYPN (myopalladin; plus strand). Cytogenetic location: 10q21.3.
Variant type: single nucleotide variant.
Coding change: c.3833G>A on transcript NM_032578.4 (MANE Select); coding-DNA position 3833, G replaced by A.
Protein change: p.Arg1278Gln; replaces arginine 1278 with glutamine.
Molecular consequence: missense variant. On other transcripts: non-coding transcript variant (2).
Genome position (GRCh38, 1-based): chr10:68,210,325, G>A. VCF-style: chr10-68210325-G-A. GRCh37 (hg19) VCF-style: chr10-69970082-G-A.
Other names: c.3833G>A, p.Arg1278Gln (NM_001256267.2); c.2951G>A, p.Arg984Gln (NM_001256268.2); short protein forms R1278Q, R984Q.
Identifiers: ClinVar variation 191759 (VCV000191759.77), dbSNP rs142877365, ClinGen allele CA237475.
Genomic context (GRCh38, chr10:68,210,325, plus strand): 5'-ATTATTTGGTCCATTTTCCAGCTCAGTGGCACCATCAGATCCCACCGCCCATGTCTGTCC[G>A]GCCCAGTGGCAGTCGCTACGGATCTCTCACCAGTAAAGGACTTGACATATTTTCTGCCTT-3'
Protein context (NP_115967.2, residues 1268-1288): HHQIPPPMSV[Arg1278Gln]PSGSRYGSLT

ClinVar aggregate classification (germline): Conflicting classifications of pathogenicity. Review status: criteria provided, conflicting classifications (1 of 4 stars). 14 submissions from 14 submitters: Uncertain significance (9); Likely benign (4). 1 of the submissions does not count toward it. Last evaluated 2026-04-20.

Conditions:
MYPN-related myopathy (CMYO24). Also called: Nemaline myopathy 11, autosomal recessive. Identifiers: MedGen C4479186, MONDO:0015023, OMIM 617336.
Dilated cardiomyopathy 1KK (CMD1KK). Identifiers: Orphanet 154, Orphanet 75249, MedGen C3714995, MONDO:0014100, OMIM 615248.
MYPN-related disorder. Also called: MYPN-related condition.
Cardiovascular phenotype. Identifiers: MedGen CN230736.

Allele frequency attached by ClinVar (database versions not stated): 1000 Genomes Project 30x 0.00016; 1000 Genomes Project 0.00020; TOPMed 0.00044; ExAC 0.00046; gnomAD 0.00050 and 0.00052; ESP Exome Variant Server 0.00062.
gnomAD v4.1: 1,247 of 1,613,930 alleles (0.077%); highest among the groups gnomAD compares: Non-Finnish European, 0.1%; 1 homozygote.

Submissions (14):

Women's Health and Genetics/Laboratory Corporation of America, LabCorp
Classification: Likely benign. Last evaluated: 2026-04-20. Review status: criteria provided, single submitter. Criteria: LabCorp Variant Classification Summary - May 2015. Collection method: clinical testing. Allele origin: germline.
Comment: Variant summary: MYPN c.3833G>A (p.Arg1278Gln) results in a conservative amino acid change in the encoded protein sequence. Algorithms developed to predict the effect of missense changes on protein structure and function are either unavailable or do not agree on the potential impact of this missense change. The variant allele was found at a frequency of 0.00045 in 251412 control chromosomes, predominantly at a frequency of 0.00078 within the Non-Finnish European subpopulation in the gnomAD database. The observed variant frequency within Non-Finnish European control individuals in the gnomAD database exceeds the estimated maximal expected allele frequency for disease-causing variants in MYPN. To our knowledge, no occurrence of c.3833G>A in individuals affected with MYPN-related conditions and no experimental evidence demonstrating its impact on protein function have been reported. ClinVar contains an entry for this variant (Variation ID: 191759). Based on the evidence outlined above, the variant was classified as likely benign.

Mayo Clinic Laboratories, Mayo Clinic
Classification: Likely benign. Last evaluated: 2025-08-27. Review status: criteria provided, single submitter. Criteria: ACMG Guidelines, 2015. Collection method: clinical testing. Allele origin: germline. Observed: 2 variant alleles.
Comment: BS1, BP4

GeneDx
Classification: Uncertain significance. Last evaluated: 2024-11-26. Review status: criteria provided, single submitter. Criteria: GeneDx Variant Classification Process June 2021. Collection method: clinical testing. Allele origin: germline. Affected: yes.
Comment: Reported in one individual from a cohort of individuals not selected for cardiomyopathy, arrhythmia, or family history of sudden cardiac death, who underwent exome sequencing (PMID: 23861362); In silico analysis indicates that this missense variant does not alter protein structure/function; This variant is associated with the following publications: (PMID: 23861362)

Blueprint Genetics
Classification: Likely benign. Last evaluated: 2024-11-11. Review status: criteria provided, single submitter. Criteria: ACMG Guidelines, 2015. Collection method: clinical testing. Allele origin: germline.

Labcorp Genetics (formerly Invitae), Labcorp
Classification: Uncertain significance for Dilated cardiomyopathy 1KK. Last evaluated: 2024-01-22. Review status: criteria provided, single submitter. Criteria: Invitae Variant Classification Sherloc (09022015). Collection method: clinical testing. Allele origin: germline.
Comment: This sequence change replaces arginine, which is basic and polar, with glutamine, which is neutral and polar, at codon 1278 of the MYPN protein (p.Arg1278Gln). This variant is present in population databases (rs142877365, gnomAD 0.08%), and has an allele count higher than expected for a pathogenic variant. This variant has not been reported in the literature in individuals affected with MYPN-related conditions. ClinVar contains an entry for this variant (Variation ID: 191759). An algorithm developed to predict the effect of missense changes on protein structure and function (PolyPhen-2) suggests that this variant is likely to be disruptive. In summary, the available evidence is currently insufficient to determine the role of this variant in disease. Therefore, it has been classified as a Variant of Uncertain Significance.

CeGaT Center for Human Genetics Tuebingen
Classification: Uncertain significance. Last evaluated: 2022-09-01. Review status: criteria provided, single submitter. Criteria: CeGaT Center For Human Genetics Tuebingen Variant Classification Criteria Version 2. Collection method: clinical testing. Allele origin: germline. Affected: yes. Observed: 3 variant alleles.
Comment: MYPN: PM2, BP4

Fulgent Genetics
Classification: Uncertain significance for Dilated cardiomyopathy 1KK; MYPN-related myopathy. Last evaluated: 2021-08-04. Review status: criteria provided, single submitter. Criteria: ACMG Guidelines, 2015. Collection method: clinical testing. Allele origin: unknown.

Ambry Genetics
Classification: Likely benign for Cardiovascular phenotype. Last evaluated: 2020-11-18. Review status: criteria provided, single submitter. Criteria: Ambry Variant Classification Scheme 2023. Collection method: clinical testing. Allele origin: germline.

Victorian Clinical Genetics Services, Murdoch Childrens Research Institute
Classification: Uncertain significance for MYPN-related myopathy. Last evaluated: 2020-05-25. Review status: criteria provided, single submitter. Criteria: ACMG Guidelines, 2015. Collection method: clinical testing. Allele origin: germline. Affected: yes.
Comment: A heterozygous missense variant was identified, NM_032578.3(MYPN):c.3833G>A in exon 20 of 20 of the MYPN gene. This substitution is predicted to create a minor amino acid change from arginine to glutamine at position 1278 of the protein, NP_115967.2(MYPN):p.(Arg1278Gln). The arginine at this position has high conservation (100 vertebrates, UCSC), but is not situated in a known functional domain. In silico software predicts this variant to be disease causing (Polyphen, SIFT, CADD, Mutation Taster). The variant is present in the gnomAD population database at a frequency of 0.045% (127 heterozygotes, 0 homozygotes). Two alternative residue changes at the same location have been reported in the gnomAD database at a frequency of 0.0008% and 0.0012% respectively. It has been previously reported as a VUS in patients with a cardiovascular phenotype (ClinVar). Based on information available at the time of curation, this variant has been classified as a VARIANT of UNCERTAIN SIGNIFICANCE (VUS).

ARUP Laboratories, Molecular Genetics and Genomics, ARUP Laboratories
Classification: Uncertain significance. Last evaluated: 2017-02-16. Review status: criteria provided, single submitter. Criteria: ARUP Molecular Germline Variant Investigation Process. Collection method: clinical testing. Allele origin: germline.

Centre for Mendelian Genomics, University Medical Centre Ljubljana
Classification: Uncertain significance for Dilated cardiomyopathy 1KK. Last evaluated: 2016-01-01. Review status: criteria provided, single submitter. Criteria: ACMG Guidelines, 2015. Collection method: clinical testing. Allele origin: unknown. Affected: yes.
Comment: This variant was classified as: Uncertain significance. The following ACMG criteria were applied in classifying this variant: PP3,PP4.

Laboratory for Molecular Medicine, Mass General Brigham Personalized Medicine
Classification: Uncertain significance. Last evaluated: 2015-03-30. Review status: criteria provided, single submitter. Criteria: LMM Criteria. Collection method: clinical testing. Allele origin: germline. Observed: 1 variant allele.
Comment: The p.Arg1278Gln variant in MYPN has not been previously reported in individuals with cardiomyopathy, but has been identified in 46/66734 European chromosomes b y the Exome Aggregation Consortium (ExAC; dbSNP rs142877365). Computational prediction tools and conservation analysis do not pr ovide strong support for or against an impact to the protein. In summary, the cl inical significance of the p.Arg1278Gln variant is uncertain.

Biesecker Lab/Clinical Genomics Section, National Institutes of Health
Classification: Uncertain significance. Last evaluated: 2013-06-24. Review status: criteria provided, single submitter. Criteria: Ng et al. (Circ Cardiovasc Genet. 2013). Collection method: research. Allele origin: unknown. Observed: 1 variant allele. Study: ClinSeq.
Comment: The study set was not selected for affection status in relation to any cancer. Pathogenicity categories were based on literature curation. See Pubmed ID:23861362 for details.

Medical sequencing

PreventionGenetics, part of Exact Sciences
Classification: Uncertain significance for MYPN-related condition. Last evaluated: 2024-05-29. Review status: no assertion criteria provided. Collection method: clinical testing. Allele origin: germline. Not counted in ClinVar's aggregate classification.
Comment: The MYPN c.3833G>A variant is predicted to result in the amino acid substitution p.Arg1278Gln. To our knowledge, this variant has not been reported in the literature. This variant is reported in 0.076% of alleles in individuals of European (non-Finnish) descent in gnomAD. Although we suspect that this variant may be benign, at this time, the clinical significance of this variant is uncertain due to the absence of conclusive functional and genetic evidence.

Literature cited by the submitters: PubMed 23861362 (cited by Mayo Clinic Laboratories, Mayo Clinic and Ambry Genetics).